The following is an entry in ClinVar:

ClinVar aggregate classification (germline): Benign/Likely benign. Review status: criteria provided, multiple submitters, no conflicts (2 of 4 stars). 3 submissions from 3 submitters: Benign (1); Likely benign (2). Last evaluated 2024-04-10.

Conditions:
Hereditary cancer-predisposing syndrome. Also called: Neoplastic Syndromes, Hereditary; Tumor predisposition; Hereditary Cancer Syndrome; Hereditary neoplastic syndrome. Identifiers: Orphanet 140162, MedGen C0027672, MeSH D009386, MONDO:0015356.
Familial adenomatous polyposis 1 (FAP1). Also called: FAMILIAL ADENOMATOUS POLYPOSIS 1, ATTENUATED; POLYPOSIS, ADENOMATOUS INTESTINAL. Identifiers: MedGen C2713442, MONDO:0021056, OMIM 175100. Disease mechanism: loss of function.

Allele frequency attached by ClinVar (database versions not stated): gnomAD exomes below 0.00001; TOPMed below 0.00001.

Submissions (3):

Myriad Genetics, Inc.
Classification: Benign for Familial adenomatous polyposis 1. Last evaluated: 2024-04-10. Review status: criteria provided, single submitter. Criteria: Myriad Autosomal Dominant, Autosomal Recessive and X-Linked Classification Criteria (2023). Collection method: clinical testing. Allele origin: unknown.
Comment: This variant is considered benign. This variant is a silent/synonymous amino acid change and it is not expected to impact splicing.

Color Diagnostics, LLC DBA Color Health
Classification: Likely benign for Hereditary cancer-predisposing syndrome. Last evaluated: 2022-06-13. Review status: criteria provided, single submitter. Criteria: ACMG Guidelines, 2015. Collection method: clinical testing. Allele origin: germline.

Ambry Genetics
Classification: Likely benign for Hereditary cancer-predisposing syndrome. Last evaluated: 2020-02-25. Review status: criteria provided, single submitter. Criteria: Ambry Variant Classification Scheme 2023. Collection method: clinical testing. Allele origin: germline.

NM_000038.6(APC):c.7527T>A (p.Pro2509=)

Gene: APC (APC regulator of Wnt signaling pathway; plus strand). Cytogenetic location: 5q22.2.
Variant type: single nucleotide variant.
Coding change: c.7527T>A on transcript NM_000038.6 (MANE Select); coding-DNA position 7527, T replaced by A.
Protein change: p.Pro2509=; no amino-acid change (proline 2509 retained).
Molecular consequence: synonymous variant. On other transcripts: non-coding transcript variant (2).
Genome position (GRCh38, 1-based): chr5:112,843,121, T>A. VCF-style: chr5-112843121-T-A. GRCh37 (hg19) VCF-style: chr5-112178818-T-A.
Other names: c.7527T>A, p.Pro2509= (NM_001127510.3, NM_001354895.2, NM_001407450.1); c.7473T>A, p.Pro2491= (NM_001127511.3); c.7581T>A, p.Pro2527= (NM_001354896.2, NM_001407447.1, NM_001407448.1 and 1 more transcripts); c.7557T>A, p.Pro2519= (NM_001354897.2); c.7452T>A, p.Pro2484= (NM_001354898.2); c.7443T>A, p.Pro2481= (NM_001354899.2); c.7404T>A, p.Pro2468= (NM_001354900.2); c.7350T>A, p.Pro2450= (NM_001354901.2, NM_001407453.1); and 11 more.
Identifiers: ClinVar variation 1759351 (VCV001759351.5), dbSNP rs1182398614, ClinGen allele CA446210878.